The following is an entry in ClinVar:

ClinVar aggregate classification (germline): Pathogenic/Likely pathogenic. Review status: criteria provided, multiple submitters, no conflicts (2 of 4 stars). 2 submissions from 2 submitters: Pathogenic (1); Likely pathogenic (1). Last evaluated 2025-06-27.

Conditions:
ACADVL-related disorder. Also called: ACADVL-related condition.
Very long chain acyl-CoA dehydrogenase deficiency (ACADVLD). Also called: Very Long-Chain Acyl-Coenzyme A Dehydrogenase Deficiency; VLCAD Deficiency. Identifiers: Orphanet 26793, MedGen C3887523, MONDO:0008723, OMIM 201475.

Submissions (2):

PreventionGenetics, part of Exact Sciences
Classification: Likely pathogenic for ACADVL-related condition. Last evaluated: 2025-06-27. Review status: criteria provided, single submitter. Criteria: ACMG Guidelines, 2015. Collection method: clinical testing. Allele origin: germline.
Comment: The ACADVL c.595G>T variant is predicted to result in premature protein termination (p.Glu199*). This variant has not been reported in the literature or in a large population database (gnomAD), indicating this variant is rare. Nonsense variants in ACADVL are expected to be pathogenic. This variant is interpreted as likely pathogenic.

Labcorp Genetics (formerly Invitae), Labcorp
Classification: Pathogenic for Very long chain acyl-CoA dehydrogenase deficiency. Last evaluated: 2024-01-13. Review status: criteria provided, single submitter. Criteria: Invitae Variant Classification Sherloc (09022015). Collection method: clinical testing. Allele origin: germline.
Comment: This sequence change creates a premature translational stop signal (p.Glu199*) in the ACADVL gene. It is expected to result in an absent or disrupted protein product. Loss-of-function variants in ACADVL are known to be pathogenic (PMID: 9973285, 11590124). This variant is not present in population databases (gnomAD no frequency). This variant has not been reported in the literature in individuals affected with ACADVL-related conditions. Algorithms developed to predict the effect of sequence changes on RNA splicing suggest that this variant may disrupt the consensus splice site. For these reasons, this variant has been classified as Pathogenic.

Literature cited by the submitters: PubMed 9973285 (cited by Labcorp Genetics (formerly Invitae), Labcorp); PubMed 11590124 (cited by Labcorp Genetics (formerly Invitae), Labcorp).

NM_000018.4(ACADVL):c.595G>T (p.Glu199Ter)

Gene: ACADVL (acyl-CoA dehydrogenase very long chain; plus strand). Cytogenetic location: 17p13.1.
Variant type: single nucleotide variant.
Coding change: c.595G>T on transcript NM_000018.4 (MANE Select); coding-DNA position 595, G replaced by T.
Protein change: p.Glu199Ter; replaces glutamic acid 199 with a stop codon.
Molecular consequence: nonsense.
Genome position (GRCh38, 1-based): chr17:7,221,655, G>T. VCF-style: chr17-7221655-G-T. GRCh37 (hg19) VCF-style: chr17-7124974-G-T.
Other names: c.595G>T (NM_000018.3); c.529G>T, p.Glu177Ter (NM_001033859.3); c.664G>T, p.Glu222Ter (NM_001270447.2); c.367G>T, p.Glu123Ter (NM_001270448.2); short protein forms E222*, E177*, E123*, E199*.
Identifiers: ClinVar variation 2709299 (VCV002709299.4), dbSNP rs1305511499, ClinGen allele CA397723239.
Genomic context (GRCh38, chr17:7,221,655, plus strand): 5'-GGGGCCCATCAGAGCATCGGTTTCAAAGGCATCCTGCTCTTTGGCACAAAGGCCCAGAAA[G>T]AAAAATACCTCCCCAAGCTGGCATCTGGTGAGGCAACCCTAGGAGAGCCAGGGATTGGGG-3'